The following is an entry in ClinVar:

ClinVar aggregate classification (germline): Likely benign (1 of 4 stars; one submission).

Allele frequency attached by ClinVar (database versions not stated): gnomAD 0.00936 and 0.00990; TOPMed 0.01105; 1000 Genomes Project 0.01338; 1000 Genomes Project 30x 0.01343.
gnomAD v4.1: 1,407 of 152,298 alleles (0.92%); highest among the groups gnomAD compares: African/African-American, 3.2%; 21 homozygotes.

Submission:

GeneDx
Classification: Likely benign. Last evaluated: 2018-06-14. Review status: criteria provided, single submitter. Criteria: GeneDx Variant Classification (06012015). Collection method: clinical testing. Allele origin: germline. Affected: yes.
Comment: This variant is considered likely benign or benign based on one or more of the following criteria: it is a conservative change, it occurs at a poorly conserved position in the protein, it is predicted to be benign by multiple in silico algorithms, and/or has population frequency not consistent with disease.

NM_133259.4(LRPPRC):c.3825+299A>G

Gene: LRPPRC (leucine rich pentatricopeptide repeat containing; minus strand). Cytogenetic location: 2p21.
Variant type: single nucleotide variant.
Coding change: c.3825+299A>G on transcript NM_133259.4 (MANE Select); 299 bases into the intron after coding-DNA position 3825, A replaced by G.
Molecular consequence: intron variant.
Genome position (GRCh38, 1-based): chr2:43,898,920, T>C on the plus strand (A>G on the coding strand, the complement: LRPPRC is on the minus strand). VCF-style: chr2-43898920-T-C. GRCh37 (hg19) VCF-style: chr2-44126059-T-C.
Identifiers: ClinVar variation 672556 (VCV000672556.1), dbSNP rs115280310, ClinGen allele CA46506017.